The following is an entry in ClinVar:

ClinVar aggregate classification (germline): Uncertain significance (1 of 4 stars; one submission).

Conditions:
Inborn genetic diseases. Identifiers: MedGen C0950123, MeSH D030342.

gnomAD v4.1: 1 of 1,609,966 alleles (0.000062%); highest among the groups gnomAD compares: Admixed American, 0.0017%; no homozygotes.

Submission:

Ambry Genetics
Classification: Uncertain significance for Inborn genetic diseases. Last evaluated: 2025-09-06. Review status: criteria provided, single submitter. Criteria: Ambry Variant Classification Scheme 2023. Collection method: clinical testing. Allele origin: germline.
Comment: The p.L124P variant (also known as c.371T>C), located in coding exon 3 of the MBD4 gene, results from a T to C substitution at nucleotide position 371. The leucine at codon 124 is replaced by proline, an amino acid with similar properties. This amino acid position is conserved. In addition, this alteration is predicted to be deleterious by in silico analysis. Based on the available evidence, the clinical significance of this variant remains unclear.

NM_001276270.2(MBD4):c.371T>C (p.Leu124Pro)

Gene: MBD4 (methyl-CpG binding domain 4, DNA glycosylase; minus strand). Cytogenetic location: 3q21.3.
Variant type: single nucleotide variant.
Coding change: c.371T>C on transcript NM_001276270.2 (MANE Select); coding-DNA position 371, T replaced by C.
Protein change: p.Leu124Pro; replaces leucine 124 with proline.
Molecular consequence: missense variant. On other transcripts: intron variant (1).
Genome position (GRCh38, 1-based): chr3:129,437,273, A>G on the plus strand (T>C on the coding strand, the complement: MBD4 is on the minus strand). VCF-style: chr3-129437273-A-G. GRCh37 (hg19) VCF-style: chr3-129156116-A-G.
Other names: c.371T>C, p.Leu124Pro (NM_001276271.2, NM_001276272.2, NM_003925.3); c.247+535T>C (NM_001276273.2); short protein forms L124P.
Identifiers: ClinVar variation 4104679 (VCV004104679.1).